The following is an entry in ClinVar:

NM_205836.3(FBXO38):c.688C>T (p.Leu230Phe)

Gene: FBXO38 (F-box protein 38; plus strand). Cytogenetic location: 5q32.
Variant type: single nucleotide variant.
Coding change: c.688C>T on transcript NM_205836.3 (MANE Select); coding-DNA position 688, C replaced by T.
Protein change: p.Leu230Phe; replaces leucine 230 with phenylalanine.
Molecular consequence: missense variant.
Genome position (GRCh38, 1-based): chr5:148,404,780, C>T. VCF-style: chr5-148404780-C-T. GRCh37 (hg19) VCF-style: chr5-147784343-C-T.
Other names: c.688C>T, p.Leu230Phe (NM_001271723.2, NM_030793.5); short protein forms L230F.
Identifiers: ClinVar variation 3669300 (VCV003669300.2).

ClinVar aggregate classification (germline): Uncertain significance (1 of 4 stars; one submission).

Conditions:
Distal hereditary motor neuropathy type 2. Identifiers: Orphanet 139525, MedGen C3711384, MeSH C580044, MONDO:0015352.

Submission:

Labcorp Genetics (formerly Invitae), Labcorp
Classification: Uncertain significance for Distal hereditary motor neuropathy type 2. Last evaluated: 2024-03-28. Review status: criteria provided, single submitter. Criteria: Invitae Variant Classification Sherloc (09022015). Collection method: clinical testing. Allele origin: germline.
Comment: This sequence change replaces leucine, which is neutral and non-polar, with phenylalanine, which is neutral and non-polar, at codon 230 of the FBXO38 protein (p.Leu230Phe). This variant is present in population databases (rs763481232, gnomAD 0.002%). This variant has not been reported in the literature in individuals affected with FBXO38-related conditions. Advanced modeling of protein sequence and biophysical properties (such as structural, functional, and spatial information, amino acid conservation, physicochemical variation, residue mobility, and thermodynamic stability) has been performed at Invitae for this missense variant, however the output from this modeling did not meet the statistical confidence thresholds required to predict the impact of this variant on FBXO38 protein function. In summary, the available evidence is currently insufficient to determine the role of this variant in disease. Therefore, it has been classified as a Variant of Uncertain Significance.